The following is an entry in ClinVar:

NM_000138.5(FBN1):c.8378A>G (p.Tyr2793Cys)

Gene: FBN1 (fibrillin 1; minus strand). Cytogenetic location: 15q21.1.
Variant type: single nucleotide variant.
Coding change: c.8378A>G on transcript NM_000138.5 (MANE Select); coding-DNA position 8378, A replaced by G.
Protein change: p.Tyr2793Cys; replaces tyrosine 2793 with cysteine.
Molecular consequence: missense variant.
Genome position (GRCh38, 1-based): chr15:48,411,228, T>C on the plus strand (A>G on the coding strand, the complement: FBN1 is on the minus strand). VCF-style: chr15-48411228-T-C. GRCh37 (hg19) VCF-style: chr15-48703425-T-C.
Other names: NM_000138.5(FBN1):c.8378A>G; short protein forms Y2793C.
Identifiers: ClinVar variation 42443 (VCV000042443.16), dbSNP rs397515863, ClinGen allele CA017709.

ClinVar aggregate classification (germline): Likely pathogenic. Review status: reviewed by expert panel (3 of 4 stars). 6 submissions from 6 submitters: Likely pathogenic (1). 5 of the submissions do not count toward it. Last evaluated 2024-08-22.

Conditions:
Marfan syndrome (MFS). Also called: FBN1-Related Marfan Syndrome; Marfan syndrome, classic; MARFAN SYNDROME, TYPE I; Marfan syndrome type 1; Marfan's syndrome. Identifiers: Orphanet 284963, Orphanet 558, MedGen C0024796, MONDO:0007947, OMIM 154700.
Familial thoracic aortic aneurysm and aortic dissection (TAAD). Also called: Thoracic aortic aneurysms and dissections. Identifiers: Orphanet 91387, MedGen C4707243, MONDO:0019625.

Submissions (6):

ClinGen FBN1 Variant Curation Expert Panel, ClinGen
Classification: Likely pathogenic for Marfan syndrome. Last evaluated: 2024-08-22. Review status: reviewed by expert panel. Criteria: Assertion Criteria VCEP FBN1 Version 1. Collection method: curation. Allele origin: germline. Inheritance: Autosomal dominant inheritance.
Comment: The NM_00138 c.8378A>G is a missense variant in FBN1 predicted to cause a substitution of a tyrosine by cysteine at amino acid 2793 (p.Tyr2793Cys), located within the C-terminal region of the protein. This variant has been reported three times in ClinVar: once as likely pathogenic, 2 times as uncertain significance (Variation ID: 42443). This variant has also been identified in at least 1 individual with a clinical diagnosis of MFS, as well as in individuals with clinical features of MFS (PMID 17663468, 34916231, 37558401, Invitae ClinVar, PS4_Moderate). A different missense variant at this position, c.8377T>C p.Tyr2793His, has previously been reported in individuals with MFS and/or MFS-related features (PMID 21542060, ClinVar), however the p.Tyr2793His variant has not yet been reviewed the FBN1 Variant Curation Expert Panel. This variant is not present in gnomAD (PM2_sup; v2.1.1). Computational prediction tools and conservation analysis suggest that this variant may impact the protein (REVEL: 0.967, PP3). The constraint z-score for missense variants affecting FBN1 is 8.18 (PP2; v4.0.0). In summary, this variant meets criteria to be classified as likely pathogenic for Marfan syndrome based on the ACMG/AMP criteria applied, as specified by the ClinGen FBN1 VCEP: PS4_Moderate, PM2_Sup, PP2, PP3, PP4.

Color Diagnostics, LLC DBA Color Health
Classification: Likely pathogenic for Familial thoracic aortic aneurysm and aortic dissection. Last evaluated: 2025-07-29. Review status: criteria provided, single submitter. Criteria: ACMG Guidelines, 2015. Collection method: clinical testing. Allele origin: germline. Not counted in ClinVar's aggregate classification.
Comment: This missense variant replaces tyrosine with cysteine at codon 2793 of the FBN1 protein. Computational prediction suggests that this variant may have a deleterious impact on protein structure and function. To our knowledge, functional studies have not been reported for this variant. This variant has been reported in individuals affected with Marfan syndrome and familial thoracic aortic aneurysm and dissection (PMID: 17253931, 17663468, 24793577ClinVar SCV005387633.1, SCV000787412.1). This variant has not been identified in the general population by the Genome Aggregation Database (gnomAD). Based on the available evidence, this variant is classified as Likely Pathogenic.

Labcorp Genetics (formerly Invitae), Labcorp
Classification: Pathogenic for Marfan syndrome; Familial thoracic aortic aneurysm and aortic dissection. Last evaluated: 2023-09-30. Review status: criteria provided, single submitter. Criteria: Invitae Variant Classification Sherloc (09022015). Collection method: clinical testing. Allele origin: germline. Not counted in ClinVar's aggregate classification.
Comment: This missense change has been observed in individuals with clinical features of Marfan syndrome (PMID: 17253931; Invitae). ClinVar contains an entry for this variant (Variation ID: 42443). Advanced modeling of protein sequence and biophysical properties (such as structural, functional, and spatial information, amino acid conservation, physicochemical variation, residue mobility, and thermodynamic stability) performed at Invitae indicates that this missense variant is expected to disrupt FBN1 protein function. This variant disrupts the p.Tyr2793 amino acid residue in FBN1. Other variant(s) that disrupt this residue have been observed in individuals with FBN1-related conditions (PMID: 21542060), which suggests that this may be a clinically significant amino acid residue. For these reasons, this variant has been classified as Pathogenic. This variant is not present in population databases (gnomAD no frequency). This sequence change replaces tyrosine, which is neutral and polar, with cysteine, which is neutral and slightly polar, at codon 2793 of the FBN1 protein (p.Tyr2793Cys).

Laboratory for Molecular Medicine, Mass General Brigham Personalized Medicine
Classification: Uncertain significance. Last evaluated: 2019-02-14. Review status: criteria provided, single submitter. Criteria: LMM Criteria. Collection method: clinical testing. Allele origin: germline. Observed: 1 variant allele. Not counted in ClinVar's aggregate classification.
Comment: proposed classification - variant undergoing re-assessment, contact laboratory

Department of Laboratory Medicine and Genetics, Samsung Medical Center
Classification: Pathogenic for Marfan syndrome. Last evaluated: 2025-01-02. Review status: no assertion criteria provided. Collection method: clinical testing. Allele origin: germline. Not counted in ClinVar's aggregate classification.
Comment: The NM_000138.5:c.8378A>G is considered to be rare in the general population database (gnomAD v2.1.1). This variant is predicted to be deleterious by in-silico analysis (REVEL). This variant is located in functional domains. This variant was found in a patient with Marfan syndrome meeting Ghent criteria (PMID: 17253931). According to the ClinGen guidance for PP1/BS4 and PP4 criteria (PMID: 38103548), PP4 with weighted strength was applied. In summary, this variant was classified as a pathogenic variant for Marfan syndrome (PM1, PP2, PP3, PP4 with weighted strength, PM2_P).

Center for Medical Genetics Ghent, University of Ghent
Classification: Likely pathogenic for Marfan syndrome. Last evaluated: 2017-11-07. Review status: no assertion criteria provided. Collection method: clinical testing. Allele origin: germline. Affected: yes. Not counted in ClinVar's aggregate classification.

Literature cited by the submitters: PubMed 17253931 (cited by 4 submitters); PubMed 17663468 (cited by Color Diagnostics, LLC DBA Color Health and Laboratory for Molecular Medicine, Mass General Brigham Personalized Medicine); PubMed 24793577 (cited by Color Diagnostics, LLC DBA Color Health); PubMed 21542060 (cited by Labcorp Genetics (formerly Invitae), Labcorp); PubMed 37558401 (cited by Department of Laboratory Medicine and Genetics, Samsung Medical Center).